The following is an entry in ClinVar:

NM_014974.3(DIP2C):c.1264G>T (p.Ala422Ser)

Gene: DIP2C (DIP2 acetate--CoA ligase C (putative); minus strand). Cytogenetic location: 10p15.3.
Variant type: single nucleotide variant.
Coding change: c.1264G>T on transcript NM_014974.3 (MANE Select); coding-DNA position 1264, G replaced by T.
Protein change: p.Ala422Ser; replaces alanine 422 with serine.
Molecular consequence: missense variant.
Genome position (GRCh38, 1-based): chr10:390,860, C>A on the plus strand (G>T on the coding strand, the complement: DIP2C is on the minus strand). VCF-style: chr10-390860-C-A. GRCh37 (hg19) VCF-style: chr10-436800-C-A.
Other names: short protein forms A422S.
Identifiers: ClinVar variation 4738172 (VCV004738172.1).

ClinVar aggregate classification (germline): Uncertain significance (1 of 4 stars; one submission).

gnomAD v4.1: 117 of 1,613,718 alleles (0.0073%); highest among the groups gnomAD compares: South Asian, 0.034%; 2 homozygotes.

Submission:

Labcorp Genetics (formerly Invitae), Labcorp
Classification: Uncertain significance. Last evaluated: 2025-10-24. Review status: criteria provided, single submitter. Criteria: Invitae Variant Classification Sherloc (09022015). Collection method: clinical testing. Allele origin: germline.
Comment: This sequence change replaces alanine, which is neutral and non-polar, with serine, which is neutral and polar, at codon 422 of the DIP2C protein (p.Ala422Ser). This variant is present in population databases (rs571876332, gnomAD 0.03%). This variant has not been reported in the literature in individuals affected with DIP2C-related conditions. An algorithm developed to predict the effect of missense changes on protein structure and function (PolyPhen-2) suggests that this variant is likely to be disruptive. In summary, the available evidence is currently insufficient to determine the role of this variant in disease. Therefore, it has been classified as a Variant of Uncertain Significance.